The following is an entry in ClinVar:

ClinVar aggregate classification (germline): Uncertain significance (1 of 4 stars; one submission).

Submission:

Labcorp Genetics (formerly Invitae), Labcorp
Classification: Uncertain significance. Last evaluated: 2021-09-04. Review status: criteria provided, single submitter. Criteria: Invitae Variant Classification Sherloc (09022015). Collection method: clinical testing. Allele origin: germline.
Comment: In summary, the available evidence is currently insufficient to determine the role of this variant in disease. Therefore, it has been classified as a Variant of Uncertain Significance. This variant has not been reported in the literature in individuals affected with NEUROD1-related conditions. A copy number gain of the genomic region encompassing the full coding sequence of the NEUROD1 gene has been identified. The boundaries of this event are unknown as they extend beyond the assayed region for this gene and therefore may encompass additional genes. As the precise location of this event is unknown, it may be in tandem or it may be located elsewhere in the genome.

NC_000002.11:g.(?_182521476)_(182545307_?)dup

Genes: CERKL (ceramide kinase like; minus strand), NEUROD1 (neuronal differentiation 1; minus strand). Cytogenetic location: 2q31.3.
Variant type: Duplication.
Identifiers: ClinVar variation 1511926 (VCV001511926.4).